The following is an entry in ClinVar:

ClinVar aggregate classification (germline): Benign/Likely benign. Review status: criteria provided, multiple submitters, no conflicts (2 of 4 stars). 6 submissions from 6 submitters: Benign (1); Likely benign (4). 1 of the submissions does not count toward it. Last evaluated 2026-01-26.

Conditions:
COL9A3-related disorder. Also called: COL9A3-related condition.

Allele frequency attached by ClinVar (database versions not stated): gnomAD exomes 0.00014 and 0.00039; ExAC 0.00048; gnomAD 0.00134 and 0.00142; ESP Exome Variant Server 0.00139; TOPMed 0.00150; 1000 Genomes Project 0.00200; 1000 Genomes Project 30x 0.00219.
gnomAD v4.1: 417 of 1,611,522 alleles (0.026%); highest among the groups gnomAD compares: African/African-American, 0.45%; 1 homozygote.

Submissions (6):

Labcorp Genetics (formerly Invitae), Labcorp
Classification: Benign. Last evaluated: 2026-01-26. Review status: criteria provided, single submitter. Criteria: Invitae Variant Classification Sherloc (09022015). Collection method: clinical testing. Allele origin: germline.

CeGaT Center for Human Genetics Tuebingen
Classification: Likely benign. Last evaluated: 2025-06-01. Review status: criteria provided, single submitter. Criteria: CeGaT Center For Human Genetics Tuebingen Variant Classification Criteria Version 2. Collection method: clinical testing. Allele origin: germline. Affected: yes. Observed: 2 variant alleles.
Comment: COL9A3: BP4, BP7

Blueprint Genetics
Classification: Likely benign. Last evaluated: 2024-11-25. Review status: criteria provided, single submitter. Criteria: ACMG Guidelines, 2015. Collection method: clinical testing. Allele origin: germline.

GeneDx
Classification: Likely benign. Last evaluated: 2021-04-14. Review status: criteria provided, single submitter. Criteria: GeneDx Variant Classification Process June 2021. Collection method: clinical testing. Allele origin: germline. Affected: yes.

ARUP Laboratories, Molecular Genetics and Genomics, ARUP Laboratories
Classification: Likely benign. Last evaluated: 2019-07-01. Review status: criteria provided, single submitter. Criteria: ARUP Molecular Germline Variant Investigation Process. Collection method: clinical testing. Allele origin: germline.

PreventionGenetics, part of Exact Sciences
Classification: Likely benign for COL9A3-related condition. Last evaluated: 2019-05-03. Review status: no assertion criteria provided. Collection method: clinical testing. Allele origin: germline. Not counted in ClinVar's aggregate classification.
Comment: This variant is classified as likely benign based on ACMG/AMP sequence variant interpretation guidelines (Richards et al. 2015 PMID: 25741868, with internal and published modifications).

NM_001853.4(COL9A3):c.237G>A (p.Pro79=)

Gene: COL9A3 (collagen type IX alpha 3 chain; plus strand). Cytogenetic location: 20q13.33.
Variant type: single nucleotide variant.
Coding change: c.237G>A on transcript NM_001853.4 (MANE Select); coding-DNA position 237, G replaced by A.
Protein change: p.Pro79=; no amino-acid change (proline 79 retained).
Molecular consequence: synonymous variant.
Genome position (GRCh38, 1-based): chr20:62,819,275, G>A. VCF-style: chr20-62819275-G-A. GRCh37 (hg19) VCF-style: chr20-61450627-G-A.
Identifiers: ClinVar variation 810956 (VCV000810956.35), dbSNP rs141960487, ClinGen allele CA9949078.
Genomic context (GRCh38, chr20:62,819,275, plus strand): 5'-TGCACAGGGACCAAAGGGGGCCCCAGGAAAGCCGGGGAAACCAGGAGAGGCTGGGCTGCC[G>A]GGACTGCCGGGTGTGGATGTGAGTGCGCCTGCCCCTCCCCGCCATGCCCCACTCCCCGCT-3'
Protein context (NP_001844.3, residues 69-89): KPGKPGEAGL[Pro79=]GLPGVDGLTG